The following is an entry in ClinVar:

ClinVar aggregate classification (germline): Likely benign (0 of 4 stars; one submission).

Conditions:
EHHADH-related disorder. Also called: EHHADH-related condition.

Allele frequency attached by ClinVar (database versions not stated): ESP Exome Variant Server 0.00008; gnomAD 0.00009; TOPMed 0.00013; gnomAD exomes 0.00014; 1000 Genomes Project 30x 0.00016; 1000 Genomes Project 0.00020; ExAC 0.00023.

Submission:

PreventionGenetics, part of Exact Sciences
Classification: Likely benign for EHHADH-related condition. Last evaluated: 2023-06-01. Review status: no assertion criteria provided. Collection method: clinical testing. Allele origin: germline.
Comment: This variant is classified as likely benign based on ACMG/AMP sequence variant interpretation guidelines (Richards et al. 2015 PMID: 25741868, with internal and published modifications).

NM_001966.4(EHHADH):c.883C>T (p.Arg295Trp)

Gene: EHHADH (enoyl-CoA hydratase and 3-hydroxyacyl CoA dehydrogenase; minus strand). Cytogenetic location: 3q27.2.
Variant type: single nucleotide variant.
Coding change: c.883C>T on transcript NM_001966.4 (MANE Select); coding-DNA position 883, C replaced by T.
Protein change: p.Arg295Trp; replaces arginine 295 with tryptophan.
Molecular consequence: missense variant.
Genome position (GRCh38, 1-based): chr3:185,204,443, G>A on the plus strand (C>T on the coding strand, the complement: EHHADH is on the minus strand). VCF-style: chr3-185204443-G-A. GRCh37 (hg19) VCF-style: chr3-184922231-G-A.
Other names: c.595C>T, p.Arg199Trp (NM_001166415.2); short protein forms R199W, R295W.
Identifiers: ClinVar variation 3053548 (VCV003053548.2), dbSNP rs370789385, ClinGen allele CA2739103.